The following is an entry in ClinVar:

ClinVar aggregate classification (germline): Likely benign (0 of 4 stars; one submission).

Conditions:
BMP5-related disorder. Also called: BMP5-related condition.

Allele frequency attached by ClinVar (database versions not stated): gnomAD exomes 0.00002; ExAC 0.00007; gnomAD 0.00025; TOPMed 0.00027; ESP Exome Variant Server 0.00031; 1000 Genomes Project 0.00040; 1000 Genomes Project 30x 0.00047.
gnomAD v4.1: 74 of 1,613,516 alleles (0.0046%); highest among the groups gnomAD compares: African/African-American, 0.092%; no homozygotes.

Submission:

PreventionGenetics, part of Exact Sciences
Classification: Likely benign for BMP5-related condition. Last evaluated: 2019-08-01. Review status: no assertion criteria provided. Collection method: clinical testing. Allele origin: germline.
Comment: This variant is classified as likely benign based on ACMG/AMP sequence variant interpretation guidelines (Richards et al. 2015 PMID: 25741868, with internal and published modifications).

NM_021073.4(BMP5):c.303A>G (p.Val101=)

Gene: BMP5 (bone morphogenetic protein 5; minus strand). Cytogenetic location: 6p12.1.
Variant type: single nucleotide variant.
Coding change: c.303A>G on transcript NM_021073.4 (MANE Select); coding-DNA position 303, A replaced by G.
Protein change: p.Val101=; no amino-acid change (valine 101 retained).
Molecular consequence: synonymous variant.
Genome position (GRCh38, 1-based): chr6:55,874,563, T>C on the plus strand (A>G on the coding strand, the complement: BMP5 is on the minus strand). VCF-style: chr6-55874563-T-C. GRCh37 (hg19) VCF-style: chr6-55739361-T-C.
Other names: c.303A>G, p.Val101= (NM_001329754.2, NM_001329756.2).
Identifiers: ClinVar variation 3035176 (VCV003035176.2), dbSNP rs150791548, ClinGen allele CA3864918.